The following is an entry in ClinVar:

NM_015910.7(WDPCP):c.1813-2A>T

Gene: WDPCP (WD repeat containing planar cell polarity effector; minus strand). Cytogenetic location: 2p15.
Variant type: single nucleotide variant.
Coding change: c.1813-2A>T on transcript NM_015910.7 (MANE Select); the canonical splice acceptor site of the intron before coding-DNA position 1813, A replaced by T.
Molecular consequence: splice acceptor variant.
Genome position (GRCh38, 1-based): chr2:63,259,411, T>A on the plus strand (A>T on the coding strand, the complement: WDPCP is on the minus strand). VCF-style: chr2-63259411-T-A. GRCh37 (hg19) VCF-style: chr2-63486546-T-A.
Other names: c.1741-2A>T (NM_001354044.2); c.1336-2A>T (NM_001042692.3).
Identifiers: ClinVar variation 1477374 (VCV001477374.6), dbSNP rs2104772718, ClinGen allele CA347062587.

ClinVar aggregate classification (germline): Likely pathogenic (1 of 4 stars; one submission).

Conditions:
Bardet-Biedl syndrome (BBS). Identifiers: Orphanet 110, MedGen C0752166, MONDO:0015229.

Submission:

Labcorp Genetics (formerly Invitae), Labcorp
Classification: Likely pathogenic for Bardet-Biedl syndrome. Last evaluated: 2022-07-19. Review status: criteria provided, single submitter. Criteria: Invitae Variant Classification Sherloc (09022015). Collection method: clinical testing. Allele origin: germline.
Comment: ClinVar contains an entry for this variant (Variation ID: 1477374). This variant has not been reported in the literature in individuals affected with WDPCP-related conditions. This variant is not present in population databases (gnomAD no frequency). This sequence change affects an acceptor splice site in intron 13 of the WDPCP gene. It is expected to disrupt RNA splicing. Variants that disrupt the donor or acceptor splice site typically lead to a loss of protein function (PMID: 16199547), and loss-of-function variants in WDPCP are known to be pathogenic (PMID: 20671153, 25427950, 27158779). Algorithms developed to predict the effect of sequence changes on RNA splicing suggest that this variant may disrupt the consensus splice site. In summary, the currently available evidence indicates that the variant is pathogenic, but additional data are needed to prove that conclusively. Therefore, this variant has been classified as Likely Pathogenic.

Literature cited by the submitters: PubMed 16199547; PubMed 20671153; PubMed 25427950; PubMed 27158779.